The following is an entry in ClinVar:

NM_182961.4(SYNE1):c.17052G>A (p.Pro5684=)

Genes: SYNE1 (spectrin repeat containing nuclear envelope protein 1; minus strand), LOC126859837 (BRD4-independent group 4 enhancer GRCh37_chr6:152630775-152631974; plus strand). Cytogenetic location: 6q25.2.
Variant type: single nucleotide variant.
Coding change: c.17052G>A on transcript NM_182961.4 (MANE Select); coding-DNA position 17052, G replaced by A.
Protein change: p.Pro5684=; no amino-acid change (proline 5684 retained).
Molecular consequence: synonymous variant.
Genome position (GRCh38, 1-based): chr6:152,309,985, C>T on the plus strand (G>A on the coding strand, the complement: SYNE1 is on the minus strand). VCF-style: chr6-152309985-C-T. GRCh37 (hg19) VCF-style: chr6-152631120-C-T.
Other names: c.17052G>A (NM_182961.2); c.16839G>A, p.Pro5613= (NM_033071.5).
Identifiers: ClinVar variation 705961 (VCV000705961.45), dbSNP rs148994723, ClinGen allele CA4055349.

ClinVar aggregate classification (germline): Likely benign. Review status: criteria provided, multiple submitters, no conflicts (2 of 4 stars). 4 submissions from 4 submitters: Likely benign (4). Last evaluated 2025-03-31.

Conditions:
Emery-Dreifuss muscular dystrophy 4, autosomal dominant (EDMD4). Also called: EMERY-DREIFUSS MUSCULAR DYSTROPHY 4 WITH VARIABLE FEATURES. Identifiers: Orphanet 261, MedGen C2751807, MONDO:0013071, OMIM 612998.
Autosomal recessive ataxia, Beauce type. Also called: SYNE1-Related Autosomal Recessive Cerebellar Ataxia; Spinocerebellar ataxia, autosomal recessive 8; ATAXIA, RECESSIVE, OF BEAUCE; SYNE1 Deficiency. Identifiers: Orphanet 88644, MedGen C1853116, MONDO:0012549, OMIM 610743.

Allele frequency attached by ClinVar (database versions not stated): ExAC 0.00002; gnomAD exomes 0.00002; TOPMed 0.00006; gnomAD 0.00010; 1000 Genomes Project 30x 0.00016; 1000 Genomes Project 0.00020.
gnomAD v4.1: 117 of 1,614,078 alleles (0.0072%); highest among the groups gnomAD compares: East Asian, 0.0089%; 1 homozygote.

Submissions (4):

Labcorp Genetics (formerly Invitae), Labcorp
Classification: Likely benign for Emery-Dreifuss muscular dystrophy 4, autosomal dominant; Autosomal recessive ataxia, Beauce type. Last evaluated: 2025-03-31. Review status: criteria provided, single submitter. Criteria: Invitae Variant Classification Sherloc (09022015). Collection method: clinical testing. Allele origin: germline.

Blueprint Genetics
Classification: Likely benign. Last evaluated: 2023-06-05. Review status: criteria provided, single submitter. Criteria: ACMG Guidelines, 2015. Collection method: clinical testing. Allele origin: germline.

CeGaT Center for Human Genetics Tuebingen
Classification: Likely benign. Last evaluated: 2022-03-01. Review status: criteria provided, single submitter. Criteria: CeGaT Center For Human Genetics Tuebingen Variant Classification Criteria Version 2. Collection method: clinical testing. Allele origin: germline. Affected: yes. Observed: 1 variant allele.
Comment: SYNE1: BP4, BP7

Athena Diagnostics
Classification: Likely benign. Last evaluated: 2021-06-07. Review status: criteria provided, single submitter. Criteria: Athena Diagnostics criteria. Collection method: clinical testing. Allele origin: unknown.